The following is an entry in ClinVar:

ClinVar aggregate classification (germline): Uncertain significance (1 of 4 stars; one submission).

Submission:

Labcorp Genetics (formerly Invitae), Labcorp
Classification: Uncertain significance. Last evaluated: 2026-02-02. Review status: criteria provided, single submitter. Criteria: Invitae Variant Classification Sherloc (09022015). Collection method: clinical testing. Allele origin: germline.
Comment: This variant, c.4915_4920del, results in the deletion of 2 amino acid(s) of the CCDC88A protein (p.Ser1639_Ser1640del), but otherwise preserves the integrity of the reading frame. This variant is present in population databases (rs772246531, gnomAD 0.01%). This variant has not been reported in the literature in individuals affected with CCDC88A-related conditions. ClinVar contains an entry for this variant (Variation ID: 1505155). Experimental studies and prediction algorithms are not available or were not evaluated, and the functional significance of this variant is currently unknown. In summary, the available evidence is currently insufficient to determine the role of this variant in disease. Therefore, it has been classified as a Variant of Uncertain Significance.

NM_001365480.1(CCDC88A):c.4918_4923del (p.Ser1640_Ser1641del)

Gene: CCDC88A (coiled-coil and HOOK domain protein 88A; minus strand). Cytogenetic location: 2p16.1.
Variant type: Deletion.
Coding change: c.4918_4923del on transcript NM_001365480.1 (MANE Select); coding-DNA positions 4918 to 4923, 6 bases deleted (AGCAGT; older notation c.4918_4923delAGCAGT).
Protein change: p.Ser1640_Ser1641del.
Molecular consequence: inframe deletion.
Genome position (GRCh38, 1-based): chr2:55,296,426-55,296,431, ACTGCT deleted on the plus strand (AGCAGT on the coding strand, the reverse complement: CCDC88A is on the minus strand); deleting any 6 consecutive bases within chr2:55,296,426-55,296,433 gives the same sequence; the c. name uses the placement nearest the transcript's 3' end. VCF-style (leftmost placement, unchanged base first): chr2-55296425-GACTGCT-G. GRCh37 (hg19) VCF-style: chr2-55523561-GACTGCT-G.
Other names: c.4915_4920del, p.Ser1639_Ser1640del (NM_001135597.2, NM_001254943.2); c.4834_4839del, p.Ser1612_Ser1613del (NM_018084.5).
Identifiers: ClinVar variation 1505155 (VCV001505155.6), dbSNP rs772246531, ClinGen allele CA1665432.